The following is an entry in ClinVar:

ClinVar aggregate classification (germline): Pathogenic (1 of 4 stars; one submission).

Submission:

ISCA site 4
Classification: Pathogenic. Last evaluated: 2011-08-12. Review status: criteria provided, single submitter. Criteria: Kaminsky et al. (Genet Med. 2011). Collection method: clinical testing. Allele origin: unknown. Affected: yes. Observed: 1 variant allele.
Comment: Copy number variation identified through the course of routine clinical cytogenomic testing in postnatal populations. Clinical assertions have been curated as described in Kaminsky et al. 2011.

GRCh38/hg38 6q27(chr6:168524169-170612001)x1

Genes: C6orf120 (chromosome 6 open reading frame 120; plus strand), DLL1 (delta like canonical Notch ligand 1; minus strand), DYNLT2 (dynein light chain Tctex-type 2; minus strand), ERMARD (ER membrane associated RNA degradation; plus strand), FAM120B (family with sequence similarity 120 member B; plus strand) and 57 more. Cytogenetic location: 6q27.
Variant type: copy number loss.
Change: copy number 1 (one copy instead of two) of chr6:168,524,169-170,612,001 (2.09 Mb, GRCh38 coordinates, 1-based), cytogenetic band 6q27.
Identifiers: ClinVar variation 57303 (VCV000057303.1).